The following is an entry in ClinVar:

ClinVar aggregate classification (germline): Likely pathogenic (1 of 4 stars; one submission).

Conditions:
Cardiovascular phenotype. Identifiers: MedGen CN230736.
Hereditary cancer-predisposing syndrome. Also called: Neoplastic Syndromes, Hereditary; Hereditary Cancer Syndrome; Tumor predisposition; Hereditary neoplastic syndrome. Identifiers: Orphanet 140162, MedGen C0027672, MeSH D009386, MONDO:0015356.

Allele frequency attached by ClinVar (database versions not stated): gnomAD 0.00001; gnomAD exomes 0.00001; TOPMed 0.00001.
gnomAD v4.1: 8 of 611,620 alleles (0.0013%); highest among the groups gnomAD compares: Non-Finnish European, 0.0019%; no homozygotes.

Submission:

Ambry Genetics
Classification: Likely pathogenic for Cardiovascular phenotype; Hereditary cancer-predisposing syndrome. Last evaluated: 2025-02-28. Review status: criteria provided, single submitter. Criteria: Ambry Variant Classification Scheme 2023. Collection method: clinical testing. Allele origin: germline.
Comment: The c.1942+343C>T intronic variant results from a C to T substitution 343 nucleotides after coding exon 16 in the LZTR1 gene. This nucleotide position is not well conserved in available vertebrate species. In silico splice site analysis predicts that this alteration may result in the creation or strengthening of novel splice donor and acceptor sites, creating a cryptic exon within the intron. RNA studies have demonstrated that this alteration results in abnormal splicing in the set of samples tested (Ambry internal data). This variant is considered to be rare based on population cohorts in the Genome Aggregation Database (gnomAD). Loss-of-function variants in LZTR1 are related to an increased risk for schwannomas and autosomal recessive Noonan syndrome; however, such associations with autosomal dominant Noonan syndrome have not been observed (Piotrowski A et al. Nat Genet. 2014 Feb;46:182-7; Yamamoto GL et al. J Med Genet. 2015 Jun;52:413-21; Johnston JJ et al. Genet Med. 2018 10;20:1175-1185). Based on the supporting evidence, this variant is likely pathogenic for an increased risk of LZTR1-related schwannomatosis (SWN) and would be expected to cause autosomal recessive Noonan syndrome when present along with a second pathogenic or likely pathogenic variant on the other allele; however, the association of this alteration with autosomal dominant Noonan syndrome is unlikely.

NM_006767.4(LZTR1):c.1942+343C>T

Gene: LZTR1 (leucine zipper like post translational regulator 1; plus strand). Cytogenetic location: 22q11.21.
Variant type: single nucleotide variant.
Coding change: c.1942+343C>T on transcript NM_006767.4 (MANE Select); 343 bases into the intron after coding-DNA position 1942, C replaced by T.
Molecular consequence: intron variant.
Genome position (GRCh38, 1-based): chr22:20,995,369, C>T. VCF-style: chr22-20995369-C-T. GRCh37 (hg19) VCF-style: chr22-21349658-C-T.
Identifiers: ClinVar variation 2447755 (VCV002447755.3), dbSNP rs1448197132, ClinGen allele CA638549987.